The following is an entry in ClinVar:

NM_001330288.2(SMARCC2):c.3381_3388del (p.Ile1128fs)

Gene: SMARCC2 (SWI/SNF related BAF chromatin remodeling complex subunit C2; minus strand). Cytogenetic location: 12q13.2.
Variant type: Deletion.
Coding change: c.3381_3388del on transcript NM_001330288.2 (MANE Select); coding-DNA positions 3381 to 3388, 8 bases deleted (CATCCCAT; older notation c.3381_3388delCATCCCAT).
Protein change: p.Ile1128fs; shifts the reading frame from isoleucine 1128.
Molecular consequence: frameshift variant. On other transcripts: intron variant (2).
Genome position (GRCh38, 1-based): chr12:56,164,576-56,164,583, ATGGGATG deleted on the plus strand (CATCCCAT on the coding strand, the reverse complement: SMARCC2 is on the minus strand); deleting any 8 consecutive bases within chr12:56,164,576-56,164,587 gives the same sequence; the c. name uses the placement nearest the transcript's 3' end. VCF-style (leftmost placement, unchanged base first): chr12-56164575-AATGGGATG-A. GRCh37 (hg19) VCF-style: chr12-56558359-AATGGGATG-A.
Other names: c.3288_3295del, p.Ile1097fs (NM_003075.5); c.3316+65_3316+72del (NM_139067.4, NM_001130420.3); c.3288_3295delCATCCCAT (NM_003075.5); short protein forms I1097fs, I1128fs.
Identifiers: ClinVar variation 1722383 (VCV001722383.2), dbSNP rs2540837488, ClinGen allele CA2580086771.

ClinVar aggregate classification (germline): Pathogenic (1 of 4 stars; one submission).

Conditions:
Coffin-Siris syndrome 8. Identifiers: MedGen C5193054, MONDO:0032702, OMIM 618362.

Submission:

Women's Health and Genetics/Laboratory Corporation of America, LabCorp
Classification: Pathogenic for Coffin-Siris syndrome 8. Last evaluated: 2024-10-16. Review status: criteria provided, single submitter. Criteria: LabCorp Variant Classification Summary - May 2015. Collection method: clinical testing. Allele origin: germline.
Comment: Variant summary: SMARCC2 c.3288_3295delCATCCCAT (p.Ile1097TrpfsX2) results in a premature termination codon, predicted to cause a truncation of the encoded protein or absence of the protein due to nonsense mediated decay, which are commonly known mechanisms for disease. The variant was absent in 251222 control chromosomes. To our knowledge, no occurrence of c.3288_3295delCATCCCAT in individuals affected with Coffin-Siris Syndrome 8 and no experimental evidence demonstrating its impact on protein function have been reported. ClinVar contains an entry for this variant (Variation ID: 1722383). Based on the evidence outlined above, the variant was classified as pathogenic.